The following is an entry in ClinVar:

NM_021020.5(LZTS1):c.485T>C (p.Leu162Pro)

Gene: LZTS1 (leucine zipper tumor suppressor 1; minus strand). Cytogenetic location: 8p21.3.
Variant type: single nucleotide variant.
Coding change: c.485T>C on transcript NM_021020.5 (MANE Select); coding-DNA position 485, T replaced by C.
Protein change: p.Leu162Pro; replaces leucine 162 with proline.
Molecular consequence: missense variant.
Genome position (GRCh38, 1-based): chr8:20,253,446, A>G on the plus strand (T>C on the coding strand, the complement: LZTS1 is on the minus strand). VCF-style: chr8-20253446-A-G. GRCh37 (hg19) VCF-style: chr8-20110957-A-G.
Other names: c.485T>C, p.Leu162Pro (NM_001362884.2); short protein forms L162P.
Identifiers: ClinVar variation 4745322 (VCV004745322.1).

ClinVar aggregate classification (germline): Uncertain significance (1 of 4 stars; one submission).

Submission:

Labcorp Genetics (formerly Invitae), Labcorp
Classification: Uncertain significance. Last evaluated: 2025-04-09. Review status: criteria provided, single submitter. Criteria: Invitae Variant Classification Sherloc (09022015). Collection method: clinical testing. Allele origin: germline.
Comment: This sequence change replaces leucine, which is neutral and non-polar, with proline, which is neutral and non-polar, at codon 162 of the LZTS1 protein (p.Leu162Pro). This variant is not present in population databases (gnomAD no frequency). This variant has not been reported in the literature in individuals affected with LZTS1-related conditions. Invitae Evidence Modeling of protein sequence and biophysical properties (such as structural, functional, and spatial information, amino acid conservation, physicochemical variation, residue mobility, and thermodynamic stability) indicates that this missense variant is not expected to disrupt LZTS1 protein function with a negative predictive value of 80%. In summary, the available evidence is currently insufficient to determine the role of this variant in disease. Therefore, it has been classified as a Variant of Uncertain Significance.